The following is an entry in ClinVar:

ClinVar aggregate classification (germline): Uncertain significance. Review status: criteria provided, multiple submitters, no conflicts (2 of 4 stars). 2 submissions from 2 submitters: Uncertain significance (2). Last evaluated 2025-11-26.

Conditions:
Schimke immuno-osseous dysplasia (SIOD). Also called: Schimke Immunoosseous Dysplasia. Identifiers: Orphanet 1830, MedGen C0877024, MONDO:0009458, OMIM 242900.

Allele frequency attached by ClinVar (database versions not stated): gnomAD 0.00001; gnomAD exomes 0.00001; TOPMed 0.00001.
gnomAD v4.1: 13 of 1,614,038 alleles (0.00081%); highest among the groups gnomAD compares: Non-Finnish European, 0.001%; no homozygotes.

Submissions (2):

Labcorp Genetics (formerly Invitae), Labcorp
Classification: Uncertain significance for Schimke immuno-osseous dysplasia. Last evaluated: 2025-11-26. Review status: criteria provided, single submitter. Criteria: Invitae Variant Classification Sherloc (09022015). Collection method: clinical testing. Allele origin: germline.
Comment: This sequence change replaces glutamic acid, which is acidic and polar, with lysine, which is basic and polar, at codon 898 of the SMARCAL1 protein (p.Glu898Lys). This variant is present in population databases (no rsID available, gnomAD 0.003%). This variant has not been reported in the literature in individuals affected with SMARCAL1-related conditions. ClinVar contains an entry for this variant (Variation ID: 2181048). Invitae Evidence Modeling of protein sequence and biophysical properties (such as structural, functional, and spatial information, amino acid conservation, physicochemical variation, residue mobility, and thermodynamic stability) indicates that this missense variant is not expected to disrupt SMARCAL1 protein function with a negative predictive value of 80%. In summary, the available evidence is currently insufficient to determine the role of this variant in disease. Therefore, it has been classified as a Variant of Uncertain Significance.

Blueprint Genetics
Classification: Uncertain significance. Last evaluated: 2023-12-19. Review status: criteria provided, single submitter. Criteria: ACMG Guidelines, 2015. Collection method: clinical testing. Allele origin: germline.

NM_014140.4(SMARCAL1):c.2692G>A (p.Glu898Lys)

Gene: SMARCAL1 (SNF2 related chromatin remodeling annealing helicase 1; plus strand). Cytogenetic location: 2q35.
Variant type: single nucleotide variant.
Coding change: c.2692G>A on transcript NM_014140.4 (MANE Select); coding-DNA position 2692, G replaced by A.
Protein change: p.Glu898Lys; replaces glutamic acid 898 with lysine.
Molecular consequence: missense variant.
Genome position (GRCh38, 1-based): chr2:216,482,804, G>A. VCF-style: chr2-216482804-G-A. GRCh37 (hg19) VCF-style: chr2-217347527-G-A.
Other names: c.2692G>A, p.Glu898Lys (NM_001127207.2); short protein forms E898K.
Identifiers: ClinVar variation 2181048 (VCV002181048.3), dbSNP rs972374690, ClinGen allele CA65622913.
Genomic context (GRCh38, chr2:216,482,804, plus strand): 5'-AAGCAGCAGAAGATCTACGACCTATTCCAGAAGTCCTTTGAGAAAGAAGGAAGTGATATG[G>A]AGCTCCTGGAAGCAGCAGAGTCCTTTGACCCAGGAAGTGCTTCAGGAACATCTGGAAGTA-3'
Protein context (NP_054859.2, residues 888-908): KSFEKEGSDM[Glu898Lys]LLEAAESFDP